The following is an entry in ClinVar:

NM_002474.3(MYH11):c.5613+1G>A

Genes: NDE1 (nudE neurodevelopment protein 1; plus strand), MYH11 (myosin heavy chain 11; minus strand). Cytogenetic location: 16p13.11.
Variant type: single nucleotide variant.
Coding change: c.5613+1G>A on transcript NM_002474.3 (MANE Select); the canonical splice donor site of the intron after coding-DNA position 5613, G replaced by A.
Molecular consequence: splice donor variant. On other transcripts: intron variant (2).
Genome position (GRCh38, 1-based): chr16:15,715,163, C>T on the plus strand (G>A on the coding strand, the complement: MYH11 is on the minus strand). VCF-style: chr16-15715163-C-T. GRCh37 (hg19) VCF-style: chr16-15809020-C-T.
Other names: c.948-9028C>T (NM_001143979.2, NM_017668.3); c.5613+1G>A (NM_022844.3); c.5634+1G>A (NM_001040114.2, NM_001040113.2).
Identifiers: ClinVar variation 4712052 (VCV004712052.1).

ClinVar aggregate classification (germline): Likely pathogenic (1 of 4 stars; one submission).

Conditions:
Aortic aneurysm, familial thoracic 4 (AAT4). Also called: AORTIC ANEURYSM/AORTIC DISSECTION AND PATENT DUCTUS ARTERIOSUS. Identifiers: MedGen C1851504, MONDO:0007568, OMIM 132900.

Submission:

Labcorp Genetics (formerly Invitae), Labcorp
Classification: Likely pathogenic for Aortic aneurysm, familial thoracic 4. Last evaluated: 2025-01-30. Review status: criteria provided, single submitter. Criteria: Invitae Variant Classification Sherloc (09022015). Collection method: clinical testing. Allele origin: germline.
Comment: This sequence change affects a donor splice site in intron 40 of the MYH11 gene. It is expected to disrupt RNA splicing. Variants that disrupt the donor or acceptor splice site typically lead to a loss of protein function (PMID: 16199547), and loss-of-function variants in MYH11 are known to be pathogenic (PMID: 25407000, 29575632). This variant is not present in population databases (gnomAD no frequency). This variant has not been reported in the literature in individuals affected with MYH11-related conditions. Algorithms developed to predict the effect of sequence changes on RNA splicing suggest that this variant may disrupt the consensus splice site. In summary, the currently available evidence indicates that the variant is pathogenic, but additional data are needed to prove that conclusively. Therefore, this variant has been classified as Likely Pathogenic.

Literature cited by the submitters: PubMed 16199547; PubMed 25407000; PubMed 29575632.